The following is an entry in ClinVar:

NM_024642.5(GALNT12):c.1539G>A (p.Met513Ile)

Gene: GALNT12 (polypeptide N-acetylgalactosaminyltransferase 12; plus strand). Cytogenetic location: 9q22.33.
Variant type: single nucleotide variant.
Coding change: c.1539G>A on transcript NM_024642.5 (MANE Select); coding-DNA position 1539, G replaced by A.
Protein change: p.Met513Ile; replaces methionine 513 with isoleucine.
Molecular consequence: missense variant.
Genome position (GRCh38, 1-based): chr9:98,846,057, G>A. VCF-style: chr9-98846057-G-A. GRCh37 (hg19) VCF-style: chr9-101608339-G-A.
Other names: short protein forms M513I.
Identifiers: ClinVar variation 1774778 (VCV001774778.3), dbSNP rs2118505135, ClinGen allele CA374221763.

ClinVar aggregate classification (germline): Uncertain significance (1 of 4 stars; one submission).

Submission:

Ambry Genetics
Classification: Uncertain significance. Last evaluated: 2025-03-22. Review status: criteria provided, single submitter. Criteria: Ambry Variant Classification Scheme 2023. Collection method: clinical testing. Allele origin: germline.
Comment: The p.M513I variant (also known as c.1539G>A), located in coding exon 9 of the GALNT12 gene, results from a G to A substitution at nucleotide position 1539. The methionine at codon 513 is replaced by isoleucine, an amino acid with highly similar properties. This amino acid position is conserved. In addition, this alteration is predicted to be tolerated by in silico analysis. Since supporting evidence is limited at this time, the clinical significance of this alteration remains unclear.